The following is an entry in ClinVar:

ClinVar aggregate classification (germline): Conflicting classifications of pathogenicity. Review status: criteria provided, conflicting classifications (1 of 4 stars). 12 submissions from 12 submitters: Uncertain significance (10); Likely benign (1). 1 of the submissions does not count toward it. Last evaluated 2026-09-18.

Conditions:
FANCC-related disorder. Also called: FANCC-related condition.
Hereditary cancer-predisposing syndrome. Also called: Tumor predisposition; Neoplastic Syndromes, Hereditary; Hereditary Cancer Syndrome; Hereditary neoplastic syndrome. Identifiers: Orphanet 140162, MedGen C0027672, MeSH D009386, MONDO:0015356.
Fanconi anemia (FA). Also called: Fanconi's anemia. Identifiers: Orphanet 84, MedGen C0015625, MeSH D005199, MONDO:0019391.
Fanconi anemia complementation group C (FANCC). Also called: FANCC-Related Fanconi Anemia; Fanconi anemia, group C; FANCONI PANCYTOPENIA, TYPE 3; FACC. Identifiers: Orphanet 84, MedGen C3468041, MONDO:0009213, OMIM 227645.
Fanconi anemia complementation group A (FANCA). Also called: FANCA-Related Fanconi Anemia; Fanconi anemia, group A. Identifiers: Orphanet 84, MedGen C3469521, MONDO:0009215, OMIM 227650.

Allele frequency attached by ClinVar (database versions not stated): gnomAD exomes 0.00006; ESP Exome Variant Server 0.00008; gnomAD 0.00009 and 0.00010; TOPMed 0.00010.
gnomAD v4.1: 125 of 1,613,894 alleles (0.0077%); highest among the groups gnomAD compares: Non-Finnish European, 0.0099%; no homozygotes.

Submissions (14):

PreventionGenetics, part of Exact Sciences
Classification: Uncertain significance for FANCC-related condition. Last evaluated: 2026-09-18. Review status: criteria provided, single submitter. Criteria: ACMG Guidelines, 2015. Collection method: clinical testing. Allele origin: germline.
Comment: The FANCC c.554G>A variant is predicted to result in the amino acid substitution p.Arg185Gln. This variant was reported in an individual with breast cancer and in an individual with pancreatic cancer (Supplementary Table S3, Thompson et al 2012. PubMed ID: 23028338; Table A2, Shindo K et al 2017. PubMed ID: 28767289). This variant was also identified in an individual with Fanconi anemia (Table 3S, Nicchia et al. 2015. PubMed ID: 26740942)This variant is reported in 0.0093% of alleles in individuals of European (Non-Finnish) descent in gnomAD and is interpreted as a variant of uncertain significance and likely benign in ClinVar (Variation ID: 182472). At this time, the clinical significance of this variant is uncertain due to the absence of conclusive functional and genetic evidence.

St. Jude Molecular Pathology, St. Jude Children's Research Hospital
Classification: Uncertain significance for Fanconi anemia complementation group C. Last evaluated: 2026-02-20. Review status: criteria provided, single submitter. Criteria: St. Jude Assertion Criteria 2020. Collection method: clinical testing. Allele origin: germline.
Comment: The FANCC c.554G>A p.(Arg185Gln) missense change has a maximum subpopulation frequency of 0.0093% in gnomAD v2.1.1. The in silico tool REVEL predicts a ben ign effect on protein function. This variant has been reported as heterozygous in an individual with Fanconi anemia (PMID: 26740942), however it is not specified to be in trans to a pathogenic variant. It has also been reported as heterozygous in multipl e individuals from one family with breast cancer, as well as in unaffected individuals in the same family (PMID: 23028338). In summary, the evidence currently available is insufficient to determine the clinical significance of this variant. It has theref ore been classified as of uncertain significance.

GeneDx
Classification: Uncertain significance. Last evaluated: 2024-11-18. Review status: criteria provided, single submitter. Criteria: GeneDx Variant Classification Process June 2021. Collection method: clinical testing. Allele origin: germline. Affected: yes.
Comment: In silico analysis indicates that this missense variant does not alter protein structure/function; In silico analysis suggests this variant may impact gene splicing. In the absence of RNA/functional studies, the actual effect of this sequence change is unknown.; Observed in individuals with breast, ovarian, or duodenal cancer and in an individual with Fanconi anemia, but also seen in unaffected controls (PMID: 26689913, 26740942, 28767289, 32546565, 33471991); This variant is associated with the following publications: (PMID: 32546565, 26689913, 28767289, 27226120, 26740942, 34426522, 23028338, Gordon2000[Book], 33471991)

Quest Diagnostics Nichols Institute San Juan Capistrano
Classification: Uncertain significance. Last evaluated: 2024-11-10. Review status: criteria provided, single submitter. Criteria: Quest Diagnostics criteria. Collection method: clinical testing. Allele origin: unknown.
Comment: The FANCC c.554G>A (p.Arg185Gln) variant has been reported in the published literature in individuals with duodenal adenocarcinoma (PMID: 28767289 (2017)) and breast cancer (PMID: 23028338 (2012)). The frequency of this variant in the general population, 0.000093 (12/129118 chromosomes (Genome Aggregation Database)), is uninformative in the assessment of its pathogenicity. Analysis of this variant using bioinformatics tools for the prediction of the effect of amino acid changes on protein structure and function yielded conflicting predictions that this variant is deleterious or benign. Based on the available information, we are unable to determine the clinical significance of this variant.

Labcorp Genetics (formerly Invitae), Labcorp
Classification: Uncertain significance for Fanconi anemia. Last evaluated: 2024-10-30. Review status: criteria provided, single submitter. Criteria: Invitae Variant Classification Sherloc (09022015). Collection method: clinical testing. Allele origin: germline.
Comment: This sequence change replaces arginine, which is basic and polar, with glutamine, which is neutral and polar, at codon 185 of the FANCC protein (p.Arg185Gln). This variant is present in population databases (rs370346767, gnomAD 0.009%). This missense change has been observed in individual(s) with pancreatic adenocarcinoma, breast cancer, and/or Fanconi anemia (PMID: 23028338, 26740942, 28767289). ClinVar contains an entry for this variant (Variation ID: 182472). Invitae Evidence Modeling of protein sequence and biophysical properties (such as structural, functional, and spatial information, amino acid conservation, physicochemical variation, residue mobility, and thermodynamic stability) indicates that this missense variant is not expected to disrupt FANCC protein function with a negative predictive value of 80%. In summary, the available evidence is currently insufficient to determine the role of this variant in disease. Therefore, it has been classified as a Variant of Uncertain Significance.

Mendelics
Classification: Likely benign for Fanconi anemia complementation group A. Last evaluated: 2024-04-09. Review status: criteria provided, single submitter. Criteria: ACMG Guidelines, 2015. Collection method: clinical testing. Allele origin: unknown.

Fulgent Genetics
Classification: Uncertain significance for Fanconi anemia complementation group C. Last evaluated: 2024-03-28. Review status: criteria provided, single submitter. Criteria: ACMG Guidelines, 2015. Collection method: clinical testing. Allele origin: germline.

Ambry Genetics
Classification: Uncertain significance for Hereditary cancer-predisposing syndrome. Last evaluated: 2023-05-02. Review status: criteria provided, single submitter. Criteria: Ambry Variant Classification Scheme 2023. Collection method: clinical testing. Allele origin: germline.
Comment: The p.R185Q variant (also known as c.554G>A), located in coding exon 6 of the FANCC gene, results from a G to A substitution at nucleotide position 554. The arginine at codon 185 is replaced by glutamine, an amino acid with highly similar properties. This alteration has been identified in multiple cancer cohorts and controls across studies (Thompson ER et al. PLoS Genet. 2012 Sep;8:e1002894; Shindo K et al. J. Clin. Oncol. 2017 Oct;35(30):3382-3390; Dorling et al. N Engl J Med. 2021 02;384:428-439; Song H et al. J Med Genet, 2021 May;58:305-313). One study found this alteration in 1/28 probands with Fanconi anemia based on clinical assessment and cellular sensitivity to DEB; however, it was not evaluated to be pathogenic using four in silico prediction programs (Nicchia E et al. Mol. Genet. Genomic Med. 2015 Nov;3:500-12). This amino acid position is not well conserved in available vertebrate species, and glutamine is the reference amino acid in other vertebrate species. In addition, this alteration is predicted to be tolerated by in silico analysis. Since supporting evidence is limited at this time, the clinical significance of this alteration remains unclear.

Women's Health and Genetics/Laboratory Corporation of America, LabCorp
Classification: Uncertain significance. Last evaluated: 2022-06-21. Review status: criteria provided, single submitter. Criteria: LabCorp Variant Classification Summary - May 2015. Collection method: clinical testing. Allele origin: germline.
Comment: Variant summary: FANCC c.554G>A (p.Arg185Gln) results in a conservative amino acid change in the encoded protein sequence. Five of five in-silico tools predict a benign effect of the variant on protein function. The variant allele was found at a frequency of 5.6e-05 in 251390 control chromosomes. This frequency does not allow any conclusions about variant significance. c.554G>A has been reported in the literature in an individual affected with Fanconi Anemia in the heterozygous state, however the authors classified it as VUS based on several in silico tools (Nicchia_2015). The variant has also been found in a breast cancer family where it segregated with disease. It was seen in four out of four individuals with breast cancer and in one unaffected individual (Thompson_2012). To our knowledge, no experimental evidence demonstrating an impact on protein function has been reported. Six assessments for this variant have been submitted to ClinVar after 2014 and all classified the variant as uncertain significance. Based on the evidence outlined above, the variant was classified as VUS-possibly pathogenic.

Department of Pathology and Laboratory Medicine, Sinai Health System
Classification: Uncertain significance for Fanconi anemia complementation group C. Last evaluated: 2020-01-07. Review status: criteria provided, single submitter. Criteria: ACMG Guidelines, 2015. Collection method: clinical testing. Allele origin: germline. Affected: yes.

CeGaT Center for Human Genetics Tuebingen
Classification: Uncertain significance. Last evaluated: 2018-06-01. Review status: criteria provided, single submitter. Criteria: CeGaT Center For Human Genetics Tuebingen Variant Classification Criteria Version 2. Collection method: clinical testing. Allele origin: germline. Affected: yes. Observed: 2 variant alleles.

Natera, Inc.
Classification: Uncertain significance for Fanconi anemia. Last evaluated: 2018-03-27. Review status: no assertion criteria provided. Collection method: clinical testing. Allele origin: germline. Not counted in ClinVar's aggregate classification.

Dr. Peter K. Rogan Lab, Western University
No classification provided (evidence only). Condition: Ovarian serous cystadenocarcinoma. Review status: no classification provided. Collection method: in vitro. Allele origin: not applicable. Functional consequence: retained intron. Not counted in ClinVar's aggregate classification.

Dr. Peter K. Rogan Lab, Western University
No classification provided (evidence only). Condition: Uterine carcinosarcoma. Review status: no classification provided. Collection method: in vitro. Allele origin: not applicable. Functional consequence: skipped exon. Not counted in ClinVar's aggregate classification.

Literature cited by the submitters: PubMed 37349538 (cited by Quest Diagnostics Nichols Institute San Juan Capistrano); PubMed 30541756 (cited by Quest Diagnostics Nichols Institute San Juan Capistrano); PubMed 31133068 (cited by Quest Diagnostics Nichols Institute San Juan Capistrano); PubMed 28767289 (cited by 4 submitters); PubMed 34426522 (cited by Quest Diagnostics Nichols Institute San Juan Capistrano); PubMed 26740942 (cited by 5 submitters); PubMed 28125075 (cited by Quest Diagnostics Nichols Institute San Juan Capistrano); PubMed 28775315 (cited by Quest Diagnostics Nichols Institute San Juan Capistrano); PubMed 23028338 (cited by 5 submitters); PubMed 32546565 (cited by Ambry Genetics); PubMed 33471991 (cited by Ambry Genetics); PubMed 28762789 (cited by Department of Pathology and Laboratory Medicine, Sinai Health System).

NM_000136.3(FANCC):c.554G>A (p.Arg185Gln)

Genes: AOPEP (aminopeptidase O (putative); plus strand), FANCC (FA complementation group C; minus strand). Cytogenetic location: 9q22.32.
Variant type: single nucleotide variant.
Coding change: c.554G>A on transcript NM_000136.3 (MANE Select); coding-DNA position 554, G replaced by A.
Protein change: p.Arg185Gln; replaces arginine 185 with glutamine.
Molecular consequence: missense variant.
Genome position (GRCh38, 1-based): chr9:95,150,055, C>T on the plus strand (G>A on the coding strand, the complement: FANCC is on the minus strand). VCF-style: chr9-95150055-C-T. GRCh37 (hg19) VCF-style: chr9-97912337-C-T.
Other names: p.R185Q:CGA>CAA; c.554G>A, p.Arg185Gln (NM_001243743.2, NM_001243744.2); short protein forms R185Q.
Identifiers: ClinVar variation 182472 (VCV000182472.73), dbSNP rs370346767, ClinGen allele CA299145.